The following is an entry in ClinVar:

NM_144631.6(ZNF513):c.800-22_800-16del

Gene: ZNF513 (zinc finger protein 513; minus strand). Cytogenetic location: 2p23.3.
Variant type: Deletion.
Coding change: c.800-22_800-16del on transcript NM_144631.6 (MANE Select); 22 bases into the intron before coding-DNA position 800 through 16 bases into the intron before coding-DNA position 800, 7 bases deleted (GCCCAGG; older notation c.800-22_800-16delGCCCAGG).
Molecular consequence: intron variant.
Genome position (GRCh38, 1-based): chr2:27,378,387-27,378,393, CCTGGGC deleted on the plus strand (GCCCAGG on the coding strand, the reverse complement: ZNF513 is on the minus strand). VCF-style (leftmost placement, unchanged base first): chr2-27378386-ACCTGGGC-A. GRCh37 (hg19) VCF-style: chr2-27601253-ACCTGGGC-A.
Other names: c.614-22_614-16del (NM_001201459.2).
Identifiers: ClinVar variation 2786091 (VCV002786091.3), dbSNP rs1683447406, ClinGen allele CA1240253942.

ClinVar aggregate classification (germline): Uncertain significance (1 of 4 stars; one submission).

Allele frequency attached by ClinVar (database versions not stated): TOPMed below 0.00001.

Submission:

Labcorp Genetics (formerly Invitae), Labcorp
Classification: Uncertain significance. Last evaluated: 2022-10-26. Review status: criteria provided, single submitter. Criteria: Invitae Variant Classification Sherloc (09022015). Collection method: clinical testing. Allele origin: germline.
Comment: This variant is not present in population databases (gnomAD no frequency). In summary, the available evidence is currently insufficient to determine the role of this variant in disease. Therefore, it has been classified as a Variant of Uncertain Significance. Algorithms developed to predict the effect of sequence changes on RNA splicing suggest that this variant may disrupt the consensus splice site. This variant has not been reported in the literature in individuals affected with ZNF513-related conditions. This sequence change falls in intron 3 of the ZNF513 gene. It does not directly change the encoded amino acid sequence of the ZNF513 protein.